The following is an entry in ClinVar:

NM_006648.4(WNK2):c.6572C>T (p.Pro2191Leu)

Gene: WNK2 (WNK lysine deficient protein kinase 2; plus strand). Cytogenetic location: 9q22.31.
Variant type: single nucleotide variant.
Coding change: c.6572C>T on transcript NM_006648.4 (MANE Select); coding-DNA position 6572, C replaced by T.
Protein change: p.Pro2191Leu; replaces proline 2191 with leucine.
Molecular consequence: missense variant.
Genome position (GRCh38, 1-based): chr9:93,317,575, C>T. VCF-style: chr9-93317575-C-T. GRCh37 (hg19) VCF-style: chr9-96079857-C-T.
Other names: c.6683C>T, p.Pro2228Leu (NM_001282394.3); short protein forms P2228L, P2191L.
Identifiers: ClinVar variation 5031820 (VCV005031820.1).
Genomic context (GRCh38, chr9:93,317,575, plus strand): 5'-TGTAGATGACCGCACCTCGAGCAGGAGTGGGGATGCCACGTCTGCCCCCAGCGCCCGGCC[C>T]TCTGTCCACCACGGTCATTCCCGGAGCCGCCCCGACCCTGTCCGTGCCCACACCAGGTAC-3'
Protein context (NP_006639.3, residues 2181-2201): GMPRLPPAPG[Pro2191Leu]LSTTVIPGAA

ClinVar aggregate classification (germline): Uncertain significance (1 of 4 stars; one submission).

Submission:

Ambry Genetics
Classification: Uncertain significance. Last evaluated: 2026-07-01. Review status: criteria provided, single submitter. Criteria: Ambry Variant Classification Scheme 2023. Collection method: clinical testing. Allele origin: germline.
Comment: The p.P2191L variant (also known as c.6572C>T), located in coding exon 28 of the WNK2 gene, results from a C to T substitution at nucleotide position 6572. The proline at codon 2191 is replaced by leucine, an amino acid with similar properties. This amino acid position is conserved. In addition, this alteration is predicted to be tolerated by in silico analysis. Based on the available evidence, the clinical significance of this variant remains unclear.